The following is an entry in ClinVar:

NM_001005242.3(PKP2):c.1414A>C (p.Lys472Gln)

Gene: PKP2 (plakophilin 2; minus strand). Cytogenetic location: 12p11.21.
Variant type: single nucleotide variant.
Coding change: c.1414A>C on transcript NM_001005242.3 (MANE Select); coding-DNA position 1414, A replaced by C.
Protein change: p.Lys472Gln; replaces lysine 472 with glutamine.
Molecular consequence: missense variant.
Genome position (GRCh38, 1-based): chr12:32,841,170, T>G on the plus strand (A>C on the coding strand, the complement: PKP2 is on the minus strand). VCF-style: chr12-32841170-T-G. GRCh37 (hg19) VCF-style: chr12-32994104-T-G.
Other names: c.1414A>C, p.Lys472Gln (NM_001407155.1, NM_001407156.1, NM_001407161.1); c.1546A>C, p.Lys516Gln (NM_001407157.1, NM_004572.4); c.1087A>C, p.Lys363Gln (NM_001407158.1, NM_001407159.1, NM_001407160.1 and 1 more transcripts); short protein forms K363Q, K472Q, K516Q.
Identifiers: ClinVar variation 3069781 (VCV003069781.1), dbSNP rs2541265272, ClinGen allele CA384368035.

ClinVar aggregate classification (germline): Uncertain significance (1 of 4 stars; one submission).

Conditions:
Arrhythmogenic right ventricular cardiomyopathy (ARVD). Also called: Arrhythmogenic right ventricular dysplasia; Cardiomyopathy, ARVC; Arrhythmogenic cardiomyopathy; Arrhythmogenic Right Ventricular Cardiomyopathy (ARVC). Identifiers: Orphanet 247, MedGen C0349788, MeSH D019571, MONDO:0016587. Disease mechanism: loss of function. Inheritance: Various modes of inheritance.

Submission:

All of Us Research Program, National Institutes of Health
Classification: Uncertain significance for Arrhythmogenic right ventricular cardiomyopathy. Last evaluated: 2023-03-09. Review status: criteria provided, single submitter. Criteria: ACMG Guidelines, 2015. Collection method: clinical testing. Allele origin: germline. Inheritance: Autosomal dominant inheritance. Observed: 1 variant allele, 1 heterozygote.
Comment: This missense variant replaces lysine with glutamine at codon 516 of the PKP2 protein. Computational prediction is inconclusive regarding the impact of this variant on protein structure and function (internally defined REVEL score threshold 0.5 < inconclusive < 0.7, PMID: 27666373). To our knowledge, functional studies have not been reported for this variant. This variant has not been reported in individuals affected with PKP2-related disorders in the literature. This variant has not been identified in the general population by the Genome Aggregation Database (gnomAD). The available evidence is insufficient to determine the role of this variant in disease conclusively. Therefore, this variant is classified as a Variant of Uncertain Significance.

This study involves interpretation of variants in research participants for the purpose of population health screening. Participant phenotype was not available at the time of variant classification. Additional details can be found in publication PMID: 35346344, PMCID: PMC8962531